The following is an entry in ClinVar:

NM_001692.4(ATP6V1B1):c.136_160del (p.Ser46fs)

Genes: ATP6V1B1 (ATPase H+ transporting V1 subunit B1; plus strand), ATP6V1B1-AS1 (ATP6V1B1 antisense RNA 1; minus strand). Cytogenetic location: 2p13.3.
Variant type: Deletion.
Coding change: c.136_160del on transcript NM_001692.4 (MANE Select); coding-DNA positions 136 to 160, 25 bases deleted (AGCGTGAACGGGCCCCTGGTGGTGC).
Protein change: p.Ser46fs; shifts the reading frame from serine 46.
Molecular consequence: frameshift variant.
Genome position (GRCh38, 1-based): chr2:70,943,675-70,943,699, AGCGTGAACGGGCCCCTGGTGGTGC deleted; deleting any 25 consecutive bases within chr2:70,943,671-70,943,699 gives the same sequence; the c. name uses the placement nearest the transcript's 3' end. VCF-style (leftmost placement, unchanged base first): chr2-70943670-TGTGCAGCGTGAACGGGCCCCTGGTG-T. GRCh37 (hg19) VCF-style: chr2-71170800-TGTGCAGCGTGAACGGGCCCCTGGTG-T.
Other names: short protein forms S46fs.
Identifiers: ClinVar variation 1677023 (VCV001677023.2), dbSNP rs1553416787, ClinGen allele CA533232023.

ClinVar aggregate classification (germline): Likely pathogenic. Review status: criteria provided, multiple submitters, no conflicts (2 of 4 stars). 2 submissions from 2 submitters: Likely pathogenic (2). Last evaluated 2022-03-01.

Conditions:
Renal tubular acidosis with progressive nerve deafness. Also called: RENAL TUBULAR ACIDOSIS, AUTOSOMAL RECESSIVE, WITH PROGRESSIVE NERVE DEAFNESS; RTA WITH PROGRESSIVE NERVE DEAFNESS; Distal Renal Tubular Acidosis with Progressive Sensorineural Deafness; renal tubular acidosis, distal, 2, with progressive sensorineural hearing loss. Identifiers: MedGen C0403554, MONDO:0009968, OMIM 267300.

Submissions (2):

Women's Health and Genetics/Laboratory Corporation of America, LabCorp
Classification: Likely pathogenic for Renal tubular acidosis with progressive nerve deafness. Last evaluated: 2022-03-01. Review status: criteria provided, single submitter. Criteria: LabCorp Variant Classification Summary - May 2015. Collection method: clinical testing. Allele origin: germline.
Comment: Variant summary: ATP6V1B1 c.136_160del25 (p.Ser46TrpfsX110) results in a premature termination codon, predicted to cause a truncation of the encoded protein or absence of the protein due to nonsense mediated decay, which are commonly known mechanisms for disease. Truncations downstream of this position have not been observed at our laboratory but have been reported in association with Renal tubular acidosis and sensorineural deafness in the HGMD and LOVD databases. The variant was absent in 250942 control chromosomes. To our knowledge, no occurrence of c.136_160del25 in individuals affected with Renal Tubular Acidosis With Progressive Nerve Deafness and no experimental evidence demonstrating its impact on protein function have been reported. No clinical diagnostic laboratories have submitted clinical-significance assessments for this variant to ClinVar after 2014. Based on the evidence outlined above, the variant was classified as likely pathogenic.

Fulgent Genetics
Classification: Likely pathogenic for Renal tubular acidosis with progressive nerve deafness. Last evaluated: 2022-02-04. Review status: criteria provided, single submitter. Criteria: ACMG Guidelines, 2015. Collection method: clinical testing. Allele origin: unknown.